The following is an entry in ClinVar:

ClinVar aggregate classification (germline): Uncertain significance. Review status: criteria provided, multiple submitters, no conflicts (2 of 4 stars). 2 submissions from 2 submitters: Uncertain significance (2). Last evaluated 2021-12-15.

Conditions:
Cardiovascular phenotype. Identifiers: MedGen CN230736.

Allele frequency attached by ClinVar (database versions not stated): gnomAD exomes 0.00001; ExAC 0.00002.
gnomAD v4.1: 16 of 1,612,368 alleles (0.00099%); highest among the groups gnomAD compares: Non-Finnish European, 0.0014%; no homozygotes.

Submissions (2):

Ambry Genetics
Classification: Uncertain significance for Cardiovascular phenotype. Last evaluated: 2021-12-15. Review status: criteria provided, single submitter. Criteria: Ambry Variant Classification Scheme 2023. Collection method: clinical testing. Allele origin: germline.
Comment: The p.D571N variant (also known as c.1711G>A), located in coding exon 8 of the PKP2 gene, results from a G to A substitution at nucleotide position 1711. The aspartic acid at codon 571 is replaced by asparagine, an amino acid with highly similar properties. This amino acid position is well conserved in available vertebrate species. In addition, this alteration is predicted to be tolerated by in silico analysis. Since supporting evidence is limited at this time, the clinical significance of this alteration remains unclear.

GeneDx
Classification: Uncertain significance. Last evaluated: 2020-01-03. Review status: criteria provided, single submitter. Criteria: GeneDx Variant Classification Process June 2021. Collection method: clinical testing. Allele origin: germline. Affected: yes.
Comment: Has not been previously published as pathogenic or benign to our knowledge; Not observed at a significant frequency in large population cohorts (Lek et al., 2016); In silico analysis, which includes protein predictors and evolutionary conservation, supports that this variant does not alter protein structure/function

NM_001005242.3(PKP2):c.1579G>A (p.Asp527Asn)

Gene: PKP2 (plakophilin 2; minus strand). Cytogenetic location: 12p11.21.
Variant type: single nucleotide variant.
Coding change: c.1579G>A on transcript NM_001005242.3 (MANE Select); coding-DNA position 1579, G replaced by A.
Protein change: p.Asp527Asn; replaces aspartic acid 527 with asparagine.
Molecular consequence: missense variant.
Genome position (GRCh38, 1-based): chr12:32,824,140, C>T on the plus strand (G>A on the coding strand, the complement: PKP2 is on the minus strand). VCF-style: chr12-32824140-C-T. GRCh37 (hg19) VCF-style: chr12-32977074-C-T.
Other names: c.1711G>A, p.Asp571Asn (NM_004572.4); short protein forms D527N, D571N.
Identifiers: ClinVar variation 1311591 (VCV001311591.4), dbSNP rs764193250, ClinGen allele CA030502.